The following is an entry in ClinVar:

ClinVar aggregate classification (germline): Pathogenic (1 of 4 stars; one submission).

Conditions:
Renal carnitine transport defect (CDSP). Also called: CARNITINE DEFICIENCY, SYSTEMIC, DUE TO DEFECT IN RENAL REABSORPTION OF CARNITINE; CARNITINE TRANSPORTER, PLASMA-MEMBRANE, DEFICIENCY OF; CARNITINE UPTAKE DEFECT; Systemic primary carnitine deficiency; Systemic primary carnitine deficiency disease; Carnitine transporter deficiency. Identifiers: Orphanet 158, MedGen C0342788, MONDO:0008919, OMIM 212140.

Submission:

Myriad Genetics, Inc.
Classification: Pathogenic for Renal carnitine transport defect. Last evaluated: 2026-03-09. Review status: criteria provided, single submitter. Criteria: Myriad Autosomal Dominant, Autosomal Recessive and X-Linked Classification Criteria (2023). Collection method: clinical testing. Allele origin: unknown.
Comment: NM_003060.3(SLC22A5):c.339T>A(C113*) is a nonsense variant classified as pathogenic in the context of primary carnitine deficiency. C113* has not been observed in cases with relevant disease. Relevant functional assessments of this variant are not available in the literature. C113* has not been observed in referenced population frequency databases. In summary, NM_003060.3(SLC22A5):c.339T>A(C113*) is a nonsense variant in a gene where loss of function is a known mechanism of disease and is predicted to disrupt protein function. Please note: this variant was assessed in the context of healthy population screening.

NM_003060.4(SLC22A5):c.339T>A (p.Cys113Ter)

Gene: SLC22A5 (solute carrier family 22 member 5; plus strand). Cytogenetic location: 5q31.1.
Variant type: single nucleotide variant.
Coding change: c.339T>A on transcript NM_003060.4 (MANE Select); coding-DNA position 339, T replaced by A.
Protein change: p.Cys113Ter; replaces cysteine 113 with a stop codon.
Molecular consequence: nonsense.
Genome position (GRCh38, 1-based): chr5:132,370,311, T>A. VCF-style: chr5-132370311-T-A. GRCh37 (hg19) VCF-style: chr5-131706003-T-A.
Other names: c.339T>A, p.Cys113Ter (NM_001308122.2); short protein forms C113*.
Identifiers: ClinVar variation 5004458 (VCV005004458.1).